The following is an entry in ClinVar:

ClinVar aggregate classification (germline): Pathogenic/Likely pathogenic. Review status: criteria provided, multiple submitters, no conflicts (2 of 4 stars). 3 submissions from 3 submitters: Pathogenic (1); Likely pathogenic (1). 1 of the submissions does not count toward it. Last evaluated 2025-06-12.

Conditions:
Cardiovascular phenotype. Identifiers: MedGen CN230736.
Familial thoracic aortic aneurysm and aortic dissection (TAAD). Also called: Thoracic aortic aneurysms and dissections. Identifiers: Orphanet 91387, MedGen C4707243, MONDO:0019625.
Marfan syndrome (MFS). Also called: Marfan syndrome type 1; Marfan syndrome, classic; Marfan's syndrome; FBN1-Related Marfan Syndrome; MARFAN SYNDROME, TYPE I. Identifiers: Orphanet 284963, Orphanet 558, MedGen C0024796, MONDO:0007947, OMIM 154700.

Submissions (3):

Molecular Diagnostic Laboratory for Inherited Cardiovascular Disease, Montreal Heart Institute
Classification: Likely pathogenic for Cardiovascular phenotype. Last evaluated: 2025-06-12. Review status: criteria provided, single submitter. Criteria: ACMG Guidelines, 2015. Collection method: clinical testing. Allele origin: germline. Affected: yes.
Comment: PM2, PS4_supp, PP2, PP3, PP4

Labcorp Genetics (formerly Invitae), Labcorp
Classification: Pathogenic for Marfan syndrome; Familial thoracic aortic aneurysm and aortic dissection. Last evaluated: 2021-09-04. Review status: criteria provided, single submitter. Criteria: Invitae Variant Classification Sherloc (09022015). Collection method: clinical testing. Allele origin: germline.
Comment: ClinVar contains an entry for this variant (Variation ID: 527201). For these reasons, this variant has been classified as Pathogenic. Advanced modeling of protein sequence and biophysical properties (such as structural, functional, and spatial information, amino acid conservation, physicochemical variation, residue mobility, and thermodynamic stability) performed at Invitae indicates that this missense variant is expected to disrupt FBN1 protein function. This missense change has been observed in individual(s) with clinical features of Marfan syndrome and Marfan syndrome (PMID: 18435798; Invitae). It has also been observed to segregate with disease in related individuals. This variant is not present in population databases (ExAC no frequency). This sequence change replaces glycine with glutamic acid at codon 884 of the FBN1 protein (p.Gly884Glu). The glycine residue is highly conserved and there is a moderate physicochemical difference between glycine and glutamic acid.

Department of Laboratory Medicine and Genetics, Samsung Medical Center
Classification: Likely pathogenic for Marfan syndrome. Last evaluated: 2025-01-02. Review status: no assertion criteria provided. Collection method: clinical testing. Allele origin: germline. Not counted in ClinVar's aggregate classification.
Comment: The NM_000138.5:c.2651G>A is considered to be rare in the general population database (gnomAD v2.1.1). This variant is predicted to be deleterious by in-silico analysis (REVEL). This variant was found in a patient with Marfan syndrome meeting revised Ghent criteria (PMID: 18435798). According to the ClinGen guidance for PP1/BS4 and PP4 criteria (PMID: 38103548), PP4 with weighted strength was applied. In summary, this variant was classified as a likely pathogenic variant for Marfan syndrome (PP2, PP3, PP4 with weighted strength, PM2_P).

Literature cited by the submitters: PubMed 18435798 (cited by Labcorp Genetics (formerly Invitae), Labcorp and Department of Laboratory Medicine and Genetics, Samsung Medical Center); PubMed 37558401 (cited by Department of Laboratory Medicine and Genetics, Samsung Medical Center).

NM_000138.5(FBN1):c.2651G>A (p.Gly884Glu)

Gene: FBN1 (fibrillin 1; minus strand). Cytogenetic location: 15q21.1.
Variant type: single nucleotide variant.
Coding change: c.2651G>A on transcript NM_000138.5 (MANE Select); coding-DNA position 2651, G replaced by A.
Protein change: p.Gly884Glu; replaces glycine 884 with glutamic acid.
Molecular consequence: missense variant.
Genome position (GRCh38, 1-based): chr15:48,495,149, C>T on the plus strand (G>A on the coding strand, the complement: FBN1 is on the minus strand). VCF-style: chr15-48495149-C-T. GRCh37 (hg19) VCF-style: chr15-48787346-C-T.
Other names: short protein forms G884E.
Identifiers: ClinVar variation 527201 (VCV000527201.9), dbSNP rs1555399149, ClinGen allele CA392332107.